The following is an entry in ClinVar:

NM_006939.4(SOS2):c.532C>G (p.Gln178Glu)

Gene: SOS2 (SOS Ras/Rho guanine nucleotide exchange factor 2; minus strand). Cytogenetic location: 14q21.3.
Variant type: single nucleotide variant.
Coding change: c.532C>G on transcript NM_006939.4 (MANE Select); coding-DNA position 532, C replaced by G.
Protein change: p.Gln178Glu; replaces glutamine 178 with glutamic acid.
Molecular consequence: missense variant.
Genome position (GRCh38, 1-based): chr14:50,188,679, G>C on the plus strand (C>G on the coding strand, the complement: SOS2 is on the minus strand). VCF-style: chr14-50188679-G-C. GRCh37 (hg19) VCF-style: chr14-50655397-G-C.
Other names: c.532C>G (NM_006939.3); short protein forms Q178E.
Identifiers: ClinVar variation 1370968 (VCV001370968.12), dbSNP rs770603835, ClinGen allele CA7177508.

ClinVar aggregate classification (germline): Conflicting classifications of pathogenicity. Review status: criteria provided, conflicting classifications (1 of 4 stars). 5 submissions from 5 submitters: Uncertain significance (3); Likely benign (2). Last evaluated 2026-01-14.

Conditions:
Noonan syndrome 9 (NS9). Identifiers: Orphanet 648, MedGen C4225282, MONDO:0014691, OMIM 616559.
Cardiovascular phenotype. Identifiers: MedGen CN230736.

Allele frequency attached by ClinVar (database versions not stated): gnomAD 0.00004 and 0.00003; gnomAD exomes 0.00004 and 0.00006; TOPMed 0.00002; ExAC 0.00008.
gnomAD v4.1: 68 of 1,597,846 alleles (0.0043%); highest among the groups gnomAD compares: South Asian, 0.042%; no homozygotes.

Submissions (5):

Labcorp Genetics (formerly Invitae), Labcorp
Classification: Likely benign for Noonan syndrome 9. Last evaluated: 2026-01-14. Review status: criteria provided, single submitter. Criteria: Invitae Variant Classification Sherloc (09022015). Collection method: clinical testing. Allele origin: germline.

Ambry Genetics
Classification: Uncertain significance for Cardiovascular phenotype. Last evaluated: 2024-06-14. Review status: criteria provided, single submitter. Criteria: Ambry Variant Classification Scheme 2023. Collection method: clinical testing. Allele origin: germline.
Comment: The p.Q178E variant (also known as c.532C>G), located in coding exon 5 of the SOS2 gene, results from a C to G substitution at nucleotide position 532. The glutamine at codon 178 is replaced by glutamic acid, an amino acid with highly similar properties. This amino acid position is conserved. In addition, the in silico prediction for this alteration is inconclusive. Since supporting evidence is limited at this time, the clinical significance of this alteration remains unclear.

Women's Health and Genetics/Laboratory Corporation of America, LabCorp
Classification: Likely benign. Last evaluated: 2022-11-14. Review status: criteria provided, single submitter. Criteria: LabCorp Variant Classification Summary - May 2015. Collection method: clinical testing. Allele origin: germline.
Comment: Variant summary: SOS2 c.532C>G (p.Gln178Glu) results in a conservative amino acid change in the encoded protein sequence. Three of five in-silico tools predict a benign effect of the variant on protein function. The variant allele was found at a frequency of 5.9e-05 in 237706 control chromosomes (gnomAD). The observed variant frequency is approximately 24 fold of the estimated maximal expected allele frequency for a pathogenic variant in SOS2 causing Noonan Syndrome phenotype (2.5e-06), strongly suggesting that the variant is benign. To our knowledge, no occurrence of c.532C>G in individuals affected with Noonan Syndrome and no experimental evidence demonstrating its impact on protein function have been reported. One clinical diagnostic laboratory has submitted clinical-significance assessments for this variant to ClinVar after 2014 and classified the variant as uncertain significance. Based on the evidence outlined above, the variant was classified as likely benign.

Fulgent Genetics
Classification: Uncertain significance for Noonan syndrome 9. Last evaluated: 2022-01-12. Review status: criteria provided, single submitter. Criteria: ACMG Guidelines, 2015. Collection method: clinical testing. Allele origin: unknown.

Genome-Nilou Lab
Classification: Uncertain significance for Noonan syndrome 9. Review status: criteria provided, single submitter. Criteria: ACMG Guidelines, 2015. Collection method: clinical testing. Allele origin: germline.